The following is an entry in ClinVar:

NM_004369.4(COL6A3):c.7161C>T (p.Cys2387=)

Gene: COL6A3 (collagen type VI alpha 3 chain; minus strand). Cytogenetic location: 2q37.3.
Variant type: single nucleotide variant.
Coding change: c.7161C>T on transcript NM_004369.4 (MANE Select); coding-DNA position 7161, C replaced by T.
Protein change: p.Cys2387=; no amino-acid change (cysteine 2387 retained).
Molecular consequence: synonymous variant.
Genome position (GRCh38, 1-based): chr2:237,345,059, G>A on the plus strand (C>T on the coding strand, the complement: COL6A3 is on the minus strand). VCF-style: chr2-237345059-G-A. GRCh37 (hg19) VCF-style: chr2-238253702-G-A.
Other names: c.5340C>T, p.Cys1780= (NM_057166.5); c.6543C>T, p.Cys2181= (NM_057167.4).
Identifiers: ClinVar variation 3705229 (VCV003705229.2).

ClinVar aggregate classification (germline): Uncertain significance (1 of 4 stars; one submission).

Conditions:
Bethlem myopathy 1A. Also called: MYOPATHY, BENIGN CONGENITAL, WITH CONTRACTURES; Bethlem myopathy 1; Bethlem Muscular Dystrophy. Identifiers: Orphanet 610, MedGen CN029274, MONDO:0024530, OMIM 158810.

Submission:

Labcorp Genetics (formerly Invitae), Labcorp
Classification: Uncertain significance for Bethlem myopathy 1A. Last evaluated: 2024-02-25. Review status: criteria provided, single submitter. Criteria: Invitae Variant Classification Sherloc (09022015). Collection method: clinical testing. Allele origin: germline.
Comment: This sequence change affects codon 2387 of the COL6A3 mRNA. It is a 'silent' change, meaning that it does not change the encoded amino acid sequence of the COL6A3 protein. It affects a nucleotide within the consensus splice site. This variant is not present in population databases (gnomAD no frequency). This variant has not been reported in the literature in individuals affected with COL6A3-related conditions. Algorithms developed to predict the effect of sequence changes on RNA splicing suggest that this variant is not likely to affect RNA splicing. In summary, the available evidence is currently insufficient to determine the role of this variant in disease. Therefore, it has been classified as a Variant of Uncertain Significance.